The following is an entry in ClinVar:

ClinVar aggregate classification (germline): Uncertain significance (1 of 4 stars; one submission).

Conditions:
Hereditary cancer-predisposing syndrome. Also called: Hereditary Cancer Syndrome; Hereditary neoplastic syndrome; Neoplastic Syndromes, Hereditary; Tumor predisposition. Identifiers: Orphanet 140162, MedGen C0027672, MeSH D009386, MONDO:0015356.

Submission:

Ambry Genetics
Classification: Uncertain significance for Hereditary cancer-predisposing syndrome. Last evaluated: 2022-07-30. Review status: criteria provided, single submitter. Criteria: Ambry Variant Classification Scheme 2023. Collection method: clinical testing. Allele origin: germline.
Comment: The p.A317D variant (also known as c.950C>A), located in coding exon 11 of the BAP1 gene, results from a C to A substitution at nucleotide position 950. The alanine at codon 317 is replaced by aspartic acid, an amino acid with dissimilar properties. This amino acid position is conserved. In addition, this alteration is predicted to be tolerated by in silico analysis. Since supporting evidence is limited at this time, the clinical significance of this alteration remains unclear.

NM_004656.4(BAP1):c.950C>A (p.Ala317Asp)

Gene: BAP1 (BRCA1 associated deubiquitinase 1; minus strand). Cytogenetic location: 3p21.1.
Variant type: single nucleotide variant.
Coding change: c.950C>A on transcript NM_004656.4 (MANE Select); coding-DNA position 950, C replaced by A.
Protein change: p.Ala317Asp; replaces alanine 317 with aspartic acid.
Molecular consequence: missense variant.
Genome position (GRCh38, 1-based): chr3:52,405,276, G>T on the plus strand (C>A on the coding strand, the complement: BAP1 is on the minus strand). VCF-style: chr3-52405276-G-T. GRCh37 (hg19) VCF-style: chr3-52439292-G-T.
Other names: c.896C>A, p.Ala299Asp (NM_001410772.1); short protein forms A299D, A317D.
Identifiers: ClinVar variation 1767209 (VCV001767209.2), dbSNP rs2153227078, ClinGen allele CA353106293.